The following is an entry in ClinVar:

ClinVar aggregate classification (germline): Uncertain significance. Review status: criteria provided, multiple submitters, no conflicts (2 of 4 stars). 2 submissions from 2 submitters: Uncertain significance (2). Last evaluated 2024-02-14.

Conditions:
Congenital myopathy with internal nuclei and atypical cores. Also called: Myopathy, centronuclear, 4. Identifiers: Orphanet 319160, MedGen C4707232, MONDO:0013890, OMIM 614807.

Allele frequency attached by ClinVar (database versions not stated): TOPMed below 0.00001; gnomAD 0.00001; gnomAD exomes 0.00001.
gnomAD v4.1: 13 of 1,612,360 alleles (0.00081%); highest among the groups gnomAD compares: African/African-American, 0.004%; no homozygotes.

Submissions (2):

Labcorp Genetics (formerly Invitae), Labcorp
Classification: Uncertain significance for Congenital myopathy with internal nuclei and atypical cores. Last evaluated: 2024-02-14. Review status: criteria provided, single submitter. Criteria: Invitae Variant Classification Sherloc (09022015). Collection method: clinical testing. Allele origin: germline.
Comment: This sequence change replaces tryptophan, which is neutral and slightly polar, with arginine, which is basic and polar, at codon 415 of the CCDC78 protein (p.Trp415Arg). This variant is present in population databases (no rsID available, gnomAD 0.003%). This variant has not been reported in the literature in individuals affected with CCDC78-related conditions. ClinVar contains an entry for this variant (Variation ID: 1441570). Advanced modeling of protein sequence and biophysical properties (such as structural, functional, and spatial information, amino acid conservation, physicochemical variation, residue mobility, and thermodynamic stability) performed at Invitae indicates that this missense variant is not expected to disrupt CCDC78 protein function with a negative predictive value of 80%. In summary, the available evidence is currently insufficient to determine the role of this variant in disease. Therefore, it has been classified as a Variant of Uncertain Significance.

Breakthrough Genomics
Classification: Uncertain significance. Review status: criteria provided, single submitter. Criteria: ACMG Guidelines, 2015. Collection method: not provided. Allele origin: germline. Inheritance: Autosomal dominant inheritance. Affected: yes.

NM_001378030.1(CCDC78):c.1247T>C (p.Met416Thr)

Gene: CCDC78 (coiled-coil domain containing 78; minus strand). Cytogenetic location: 16p13.3.
Variant type: single nucleotide variant.
Coding change: c.1247T>C on transcript NM_001378030.1 (MANE Select); coding-DNA position 1247, T replaced by C.
Protein change: p.Met416Thr; replaces methionine 416 with threonine.
Molecular consequence: missense variant. On other transcripts: non-coding transcript variant (5).
Genome position (GRCh38, 1-based): chr16:722,976, A>G on the plus strand (T>C on the coding strand, the complement: CCDC78 is on the minus strand). VCF-style: chr16-722976-A-G. GRCh37 (hg19) VCF-style: chr16-772976-A-G.
Other names: c.1243T>C, p.Trp415Arg (NM_001031737.3); c.1067T>C, p.Met356Thr (NM_001378031.1); c.680T>C, p.Met227Thr (NM_001378033.1); short protein forms M227T, M356T, W415R, M416T.
Identifiers: ClinVar variation 1441570 (VCV001441570.9), dbSNP rs1180613590, ClinGen allele CA394097633.